The following is an entry in ClinVar:

NM_198252.3(GSN):c.410G>T (p.Arg137Ile)

Gene: GSN (gelsolin; plus strand). Cytogenetic location: 9q33.2.
Variant type: single nucleotide variant.
Coding change: c.410G>T on transcript NM_198252.3 (MANE Select); coding-DNA position 410, G replaced by T.
Protein change: p.Arg137Ile; replaces arginine 137 with isoleucine.
Molecular consequence: missense variant. On other transcripts: 5 prime UTR variant (1).
Genome position (GRCh38, 1-based): chr9:121,310,742, G>T. VCF-style: chr9-121310742-G-T. GRCh37 (hg19) VCF-style: chr9-124073020-G-T.
Other names: c.443G>T, p.Arg148Ile (NM_001127667.2, NM_001127666.2, NM_001353063.2 and 13 more transcripts); c.461G>T, p.Arg154Ile (NM_001258029.2); c.434G>T, p.Arg145Ile (NM_001258030.2); c.410G>T, p.Arg137Ile (NM_001353053.1, NM_001353054.1, NM_001353055.2 and 10 more transcripts); c.563G>T, p.Arg188Ile (NM_000177.5); c.518G>T, p.Arg173Ile (NM_001127663.2); c.482G>T, p.Arg161Ile (NM_001353076.2); c.-245G>T (NM_001353078.2); and 1 more; short protein forms R137I, R148I, R145I, R173I, R154I, R161I, R188I.
Identifiers: ClinVar variation 2826041 (VCV002826041.5), dbSNP rs761093581, ClinGen allele CA5220882.

ClinVar aggregate classification (germline): Uncertain significance. Review status: criteria provided, multiple submitters, no conflicts (2 of 4 stars). 3 submissions from 3 submitters: Uncertain significance (3). Last evaluated 2026-02-10.

Conditions:
Finnish type amyloidosis. Also called: AMYLOIDOSIS, HEREDITARY SYSTEMIC 4, FINNISH TYPE; AMYLOID CRANIAL NEUROPATHY WITH LATTICE CORNEAL DYSTROPHY; AMYLOIDOSIS DUE TO MUTANT GELSOLIN; Amyloidosis, familial, Finnish type; Meretoja type amyloidosis; Amyloidosis 5. Identifiers: Orphanet 85448, MedGen C1622345, MONDO:0007097, OMIM 105120.
GSN-related disorder. Also called: GSN-related condition.

Allele frequency attached by ClinVar (database versions not stated): gnomAD exomes 0.00001; TOPMed 0.00002; ExAC 0.00004.
gnomAD v4.1: 8 of 1,614,180 alleles (0.0005%); highest among the groups gnomAD compares: East Asian, 0.018%; no homozygotes.

Submissions (3):

PreventionGenetics, part of Exact Sciences
Classification: Uncertain significance for GSN-related condition. Last evaluated: 2026-02-10. Review status: criteria provided, single submitter. Criteria: ACMG Guidelines, 2015. Collection method: clinical testing. Allele origin: germline.
Comment: The GSN c.563G>T variant is predicted to result in the amino acid substitution p.Arg188Ile. To our knowledge, this variant has not been reported in the literature. This variant is reported in 0.043% of alleles in individuals of East Asian descent in gnomAD, which may be too common to be a primary cause of disease. Although we suspect that this variant may be benign, at this time, the clinical significance of this variant is uncertain due to the absence of conclusive functional and genetic evidence.

Fulgent Genetics
Classification: Uncertain significance for Finnish type amyloidosis. Last evaluated: 2024-05-31. Review status: criteria provided, single submitter. Criteria: ACMG Guidelines, 2015. Collection method: clinical testing. Allele origin: germline.

Labcorp Genetics (formerly Invitae), Labcorp
Classification: Uncertain significance. Last evaluated: 2023-11-30. Review status: criteria provided, single submitter. Criteria: Invitae Variant Classification Sherloc (09022015). Collection method: clinical testing. Allele origin: germline.
Comment: This sequence change replaces arginine, which is basic and polar, with isoleucine, which is neutral and non-polar, at codon 188 of the GSN protein (p.Arg188Ile). This variant is present in population databases (rs761093581, gnomAD 0.05%). This variant has not been reported in the literature in individuals affected with GSN-related conditions. Advanced modeling of protein sequence and biophysical properties (such as structural, functional, and spatial information, amino acid conservation, physicochemical variation, residue mobility, and thermodynamic stability) performed at Invitae indicates that this missense variant is expected to disrupt GSN protein function with a positive predictive value of 80%. In summary, the available evidence is currently insufficient to determine the role of this variant in disease. Therefore, it has been classified as a Variant of Uncertain Significance.